The following is an entry in ClinVar:

NM_001958.5(EEF1A2):c.1320C>T (p.Asn440=)

Gene: EEF1A2 (eukaryotic translation elongation factor 1 alpha 2; minus strand). Cytogenetic location: 20q13.33.
Variant type: single nucleotide variant.
Coding change: c.1320C>T on transcript NM_001958.5 (MANE Select); coding-DNA position 1320, C replaced by T.
Protein change: p.Asn440=; no amino-acid change (asparagine 440 retained).
Molecular consequence: synonymous variant.
Genome position (GRCh38, 1-based): chr20:63,488,370, G>A on the plus strand (C>T on the coding strand, the complement: EEF1A2 is on the minus strand). VCF-style: chr20-63488370-G-A. GRCh37 (hg19) VCF-style: chr20-62119723-G-A.
Identifiers: ClinVar variation 388109 (VCV000388109.40), dbSNP rs367803280, ClinGen allele CA9958917.
Genomic context (GRCh38, chr20:63,488,370, plus strand): 5'-CTTCTGCGCCTTCTGCGCCGACTTGGTGACCTTGCCGGCGCCGCCGCTCTTCTTCTCCAC[G>A]TTCTTGATGACGCCTACGGCCACCGTCTGCCTCATGTCGCGCACGGCGAAGCGGCCTGGG-3'
Protein context (NP_001949.1, residues 430-450): RQTVAVGVIK[Asn440=]VEKKSGGAGK

ClinVar aggregate classification (germline): Benign/Likely benign. Review status: criteria provided, multiple submitters, no conflicts (2 of 4 stars). 5 submissions from 5 submitters: Benign (1); Likely benign (4). Last evaluated 2026-07-01.

Conditions:
Inborn genetic diseases. Identifiers: MedGen C0950123, MeSH D030342.
Developmental and epileptic encephalopathy, 33 (DEE33). Also called: Epileptic encephalopathy, early infantile, 33. Identifiers: Orphanet 442835, MedGen C4225337, MONDO:0014625, OMIM 616409.

Allele frequency attached by ClinVar (database versions not stated): gnomAD below 0.00001 and 0.00005; ExAC 0.00162; TOPMed 0.00002; ESP Exome Variant Server 0.00008; 1000 Genomes Project 30x 0.00016; 1000 Genomes Project 0.00040; gnomAD exomes 0.00046.
gnomAD v4.1: 247 of 1,476,046 alleles (0.017%); highest among the groups gnomAD compares: South Asian, 0.25%; 6 homozygotes.

Submissions (5):

CeGaT Center for Human Genetics Tuebingen
Classification: Likely benign. Last evaluated: 2026-07-01. Review status: criteria provided, single submitter. Criteria: CeGaT Center For Human Genetics Tuebingen Variant Classification Criteria Version 2. Collection method: clinical testing. Allele origin: germline. Affected: yes. Observed: 4 variant alleles.
Comment: EEF1A2: BP4, BP7, BS1

Labcorp Genetics (formerly Invitae), Labcorp
Classification: Benign for Developmental and epileptic encephalopathy, 33. Last evaluated: 2025-07-14. Review status: criteria provided, single submitter. Criteria: Invitae Variant Classification Sherloc (09022015). Collection method: clinical testing. Allele origin: germline.

Blueprint Genetics
Classification: Likely benign. Last evaluated: 2024-09-24. Review status: criteria provided, single submitter. Criteria: ACMG Guidelines, 2015. Collection method: clinical testing. Allele origin: germline.

GeneDx
Classification: Likely benign. Last evaluated: 2016-07-28. Review status: criteria provided, single submitter. Criteria: GeneDx Variant Classification (06012015). Collection method: clinical testing. Allele origin: germline. Affected: yes.
Comment: This variant is considered likely benign or benign based on one or more of the following criteria: it is a conservative change, it occurs at a poorly conserved position in the protein, it is predicted to be benign by multiple in silico algorithms, and/or has population frequency not consistent with disease.

Ambry Genetics
Classification: Likely benign for Inborn genetic diseases. Last evaluated: 2016-05-17. Review status: criteria provided, single submitter. Criteria: Ambry Variant Classification Scheme 2023. Collection method: clinical testing. Allele origin: germline.